The following is an entry in ClinVar:

NM_001035.3(RYR2):c.1537C>G (p.His513Asp)

Gene: RYR2 (ryanodine receptor 2; plus strand). Cytogenetic location: 1q43.
Variant type: single nucleotide variant.
Coding change: c.1537C>G on transcript NM_001035.3 (MANE Select); coding-DNA position 1537, C replaced by G.
Protein change: p.His513Asp; replaces histidine 513 with aspartic acid.
Molecular consequence: missense variant.
Genome position (GRCh38, 1-based): chr1:237,456,660, C>G. VCF-style: chr1-237456660-C-G. GRCh37 (hg19) VCF-style: chr1-237619960-C-G.
Other names: c.1537C>G, p.His513Asp (LRG_402t1); short protein forms H513D.
Identifiers: ClinVar variation 571064 (VCV000571064.19), dbSNP rs1230792928, ClinGen allele CA345381568.
Genomic context (GRCh38, chr1:237,456,660, plus strand): 5'-GGAATGATCAACCTCGTGCTTGAGTGCATAGACCGTTTGCACGTCTACAGCAGTGCAGCA[C>G]ACTTTGCTGATGTTGCTGGGCGAGAAGCAGGAGAGTCTTGGAAATCCATTCTGAATTCTC-3'
Protein context (NP_001026.2, residues 503-523): DRLHVYSSAA[His513Asp]FADVAGREAG

ClinVar aggregate classification (germline): Uncertain significance. Review status: criteria provided, multiple submitters, no conflicts (2 of 4 stars). 5 submissions from 5 submitters: Uncertain significance (5). Last evaluated 2026-06-18.

Conditions:
Catecholaminergic polymorphic ventricular tachycardia 1. Also called: RYR2-Related Catecholaminergic Polymorphic Ventricular Tachycardia; VENTRICULAR TACHYCARDIA, CATECHOLAMINERGIC POLYMORPHIC, 1, WITH OR WITHOUT ATRIAL DYSFUNCTION AND/OR DILATED CARDIOMYOPATHY; VENTRICULAR TACHYCARDIA, STRESS-INDUCED POLYMORPHIC 1. Identifiers: Orphanet 3286, MedGen C1631597, MONDO:0011484, OMIM 604772.
Cardiomyopathy (CMYO). Also called: Cardiomyopathies. Identifiers: Orphanet 167848, MedGen C0878544, MONDO:0004994, HP:0001638. Inheritance: Various modes of inheritance.
Cardiovascular phenotype. Identifiers: MedGen CN230736.
Catecholaminergic polymorphic ventricular tachycardia (CVPT). Also called: Catecholamine-induced polymorphic ventricular tachycardia. Identifiers: Orphanet 3286, MedGen C5574922, MONDO:0017990.

Allele frequency attached by ClinVar (database versions not stated): gnomAD 0.00001; TOPMed 0.00001.
gnomAD v4.1: 2 of 1,613,278 alleles (0.00012%); highest among the groups gnomAD compares: Non-Finnish European, 0.00017%; no homozygotes.

Submissions (5):

Ambry Genetics
Classification: Uncertain significance for Cardiovascular phenotype. Last evaluated: 2026-06-18. Review status: criteria provided, single submitter. Criteria: Ambry Variant Classification Scheme 2023. Collection method: clinical testing. Allele origin: germline.
Comment: The p.H513D variant (also known as c.1537C>G), located in coding exon 16 of the RYR2 gene, results from a C to G substitution at nucleotide position 1537. The histidine at codon 513 is replaced by aspartic acid, an amino acid with similar properties. This amino acid position is conserved. In addition, this alteration is predicted to be deleterious by in silico analysis. Based on the available evidence, the clinical significance of this variant remains unclear.

Labcorp Genetics (formerly Invitae), Labcorp
Classification: Uncertain significance for Catecholaminergic polymorphic ventricular tachycardia 1. Last evaluated: 2025-11-07. Review status: criteria provided, single submitter. Criteria: Invitae Variant Classification Sherloc (09022015). Collection method: clinical testing. Allele origin: germline.
Comment: This sequence change replaces histidine, which is basic and polar, with aspartic acid, which is acidic and polar, at codon 513 of the RYR2 protein (p.His513Asp). The frequency data for this variant in the population databases is considered unreliable, as metrics indicate poor data quality at this position in the gnomAD database. This variant has not been reported in the literature in individuals affected with RYR2-related conditions. ClinVar contains an entry for this variant (Variation ID: 571064). Invitae Evidence Modeling of protein sequence and biophysical properties (such as structural, functional, and spatial information, amino acid conservation, physicochemical variation, residue mobility, and thermodynamic stability) has been performed for this missense variant. However, the output from this modeling did not meet the statistical confidence thresholds required to predict the impact of this variant on RYR2 protein function. In summary, the available evidence is currently insufficient to determine the role of this variant in disease. Therefore, it has been classified as a Variant of Uncertain Significance.

Color Diagnostics, LLC DBA Color Health
Classification: Uncertain significance for Cardiomyopathy. Last evaluated: 2023-12-05. Review status: criteria provided, single submitter. Criteria: ACMG Guidelines, 2015. Collection method: clinical testing. Allele origin: germline.
Comment: Variant of Uncertain Significance due to insufficient evidence: This missense variant is located in the cytoplasmic domain of the RYR2 protein. Computational prediction tools and conservation analyses suggest that this variant may have deleterious impact on the protein function. Computational splicing tools suggest that this variant may not impact RNA splicing. To our knowledge, functional assays have not been performed for this variant nor has this variant been reported in individuals affected with cardiovascular disorders in the literature. This variant is rare in the general population and has been identified in 0/277264 chromosomes by the Genome Aggregation Database (gnomAD). Available evidence is insufficient to determine the pathogenicity of this variant conclusively.

All of Us Research Program, National Institutes of Health
Classification: Uncertain significance for Catecholaminergic polymorphic ventricular tachycardia. Last evaluated: 2023-05-04. Review status: criteria provided, single submitter. Criteria: ACMG Guidelines, 2015. Collection method: clinical testing. Allele origin: germline. Inheritance: Autosomal dominant inheritance. Observed: 1 variant allele, 1 heterozygote.
Comment: Variant of Uncertain Significance due to insufficient evidence: This missense variant is located in the cytoplasmic domain of the RYR2 protein. Computational prediction tools and conservation analyses suggest that this variant may have deleterious impact on the protein function. Computational splicing tools suggest that this variant may not impact RNA splicing. To our knowledge, functional assays have not been performed for this variant nor has this variant been reported in individuals affected with cardiovascular disorders in the literature. This variant is rare in the general population and has been identified in 0/277264 chromosomes by the Genome Aggregation Database (gnomAD). Available evidence is insufficient to determine the pathogenicity of this variant conclusively.

This study involves interpretation of variants in research participants for the purpose of population health screening. Participant phenotype was not available at the time of variant classification. Additional details can be found in publication PMID: 35346344, PMCID: PMC8962531

GeneDx
Classification: Uncertain significance. Last evaluated: 2019-05-17. Review status: criteria provided, single submitter. Criteria: GeneDx Variant Classification Process June 2021. Collection method: clinical testing. Allele origin: germline. Affected: yes.
Comment: Has not been previously published as pathogenic or benign to our knowledge; Reported in ClinVar but additional evidence is not available (ClinVar Variant ID# 571064; Landrum et al., 2016); In silico analysis, which includes protein predictors and evolutionary conservation, supports a deleterious effect; Is not located in one of the three hot-spot regions of the RYR2 gene, where the majority of pathogenic missense variants occur (Medeiros-Domingo et al., 2009)